The following is an entry in ClinVar:

ClinVar aggregate classification (germline): Likely pathogenic (1 of 4 stars; one submission).

Conditions:
Cerebral cavernous malformation (CCM). Also called: Cerebral cavernous malformations; Cerebral cavernous hemangioma (type); CAVERNOUS ANGIOMA, FAMILIAL; CAVERNOUS ANGIOMATOUS MALFORMATIONS; CEREBRAL CAPILLARY MALFORMATIONS; Cavernous Hemangioma of Brain. Identifiers: Orphanet 221061, MedGen C2919945, MONDO:0000820, OMIM 116860, HP:0033522.

Submission:

Juno Genomics, Hangzhou Juno Genomics, Inc
Classification: Likely pathogenic for Cerebral cavernous malformation. Review status: criteria provided, single submitter. Criteria: ACMG Guidelines, 2015. Collection method: clinical testing. Allele origin: germline.
Comment: Null variant in a gene where loss of function (LOF) is a known mechanism of disease.;Absent from controls (or at extremely low frequency if recessive) in Genome Aggregation Database.

NM_194454.3(KRIT1):c.33T>G (p.Tyr11Ter)

Gene: KRIT1 (KRIT1 ankyrin repeat containing; minus strand). Cytogenetic location: 7q21.2.
Variant type: single nucleotide variant.
Coding change: c.33T>G on transcript NM_194454.3 (MANE Select); coding-DNA position 33, T replaced by G.
Protein change: p.Tyr11Ter; replaces tyrosine 11 with a stop codon.
Molecular consequence: nonsense. On other transcripts: 5 prime UTR variant (1).
Genome position (GRCh38, 1-based): chr7:92,242,103, A>C on the plus strand (T>G on the coding strand, the complement: KRIT1 is on the minus strand). VCF-style: chr7-92242103-A-C. GRCh37 (hg19) VCF-style: chr7-91871417-A-C.
Other names: c.33T>G, p.Tyr11Ter (NM_001013406.2, NM_001350669.1, NM_001350670.1 and 29 more transcripts); c.-551T>G (NM_001350671.1); short protein forms Y11*.
Identifiers: ClinVar variation 5007236 (VCV005007236.2).
Genomic context (GRCh38, chr7:92,242,103, plus strand): 5'-CTTAGCTCTGTATTCCCGAGAATTGAGACTGGCAGTATTCTTTGGACGAATAACAGCAAC[A>C]TATGCATCTTCTATGTTTTCTGGATTTCCCATTGCTTTACAAAACAAATAAAAAAATCCT-3'